The following is an entry in ClinVar:

ClinVar aggregate classification (germline): Uncertain significance (1 of 4 stars; one submission).

gnomAD v4.1: 6 of 1,613,832 alleles (0.00037%); highest among the groups gnomAD compares: East Asian, 0.013%; no homozygotes.

Submission:

Women's Health and Genetics/Laboratory Corporation of America, LabCorp
Classification: Uncertain significance. Last evaluated: 2026-03-24. Review status: criteria provided, single submitter. Criteria: LabCorp Variant Classification Summary - May 2015. Collection method: clinical testing. Allele origin: germline.
Comment: Variant summary: TTN NM_133378 c.24956T>G (p.Leu8319Trp), also known as NM_001267550 c.28688T>G (p.Leu9563Trp), results in a non-conservative amino acid change located in the I-band region of the encoded protein sequence. Algorithms developed to predict the effect of missense changes on protein structure and function are either unavailable or do not agree on the potential impact of this missense change. The variant allele was found at a frequency of 2.8e-05 in 249070 control chromosomes, predominantly at a frequency of 0.00039 within the East Asian subpopulation in the gnomAD database. The available data on variant occurrences in the general population are insufficient to allow any conclusion about variant significance. To our knowledge, no occurrence of c.24956T>G in individuals affected with TTN-related conditions and no experimental evidence demonstrating its impact on protein function have been reported. No submitters have cited clinical-significance assessments for this variant to ClinVar. Based on the evidence outlined above, the variant was classified as uncertain significance.

NM_001267550.2(TTN):c.28688T>G (p.Leu9563Trp)

Gene: TTN (titin; minus strand). Cytogenetic location: 2q31.2.
Variant type: single nucleotide variant.
Coding change: c.28688T>G on transcript NM_001267550.2 (MANE Select); coding-DNA position 28688, T replaced by G.
Protein change: p.Leu9563Trp; replaces leucine 9563 with tryptophan.
Molecular consequence: missense variant. On other transcripts: intron variant (3).
Genome position (GRCh38, 1-based): chr2:178,709,631, A>C on the plus strand (T>G on the coding strand, the complement: TTN is on the minus strand). VCF-style: chr2-178709631-A-C. GRCh37 (hg19) VCF-style: chr2-179574358-A-C.
Other names: c.27737T>G, p.Leu9246Trp (NM_001256850.1); c.24956T>G, p.Leu8319Trp (NM_133378.4); c.13282+28451T>G (NM_003319.4); c.13858+28451T>G (NM_133437.4); c.13657+28451T>G (NM_133432.3); short protein forms L8319W, L9246W, L9563W.
Identifiers: ClinVar variation 4847722 (VCV004847722.1).